The following is an entry in ClinVar:

NM_001267550.2(TTN):c.99289+1G>A

Genes: TTN (titin; minus strand), TTN-AS1 (TTN antisense RNA 1; plus strand). Cytogenetic location: 2q31.2.
Variant type: single nucleotide variant.
Coding change: c.99289+1G>A on transcript NM_001267550.2 (MANE Select); the canonical splice donor site of the intron after coding-DNA position 99289, G replaced by A.
Molecular consequence: splice donor variant.
Genome position (GRCh38, 1-based): chr2:178,538,539, C>T on the plus strand (G>A on the coding strand, the complement: TTN is on the minus strand). VCF-style: chr2-178538539-C-T. GRCh37 (hg19) VCF-style: chr2-179403266-C-T.
Other names: c.72094+1G>A (NM_003319.4); c.72670+1G>A (NM_133437.4); c.72469+1G>A (NM_133432.3); c.91585+1G>A (NM_133378.4); c.94366+1G>A (NM_001256850.1).
Identifiers: ClinVar variation 4537901 (VCV004537901.2).

ClinVar aggregate classification (germline): Likely pathogenic. Review status: criteria provided, multiple submitters, no conflicts (2 of 4 stars). 2 submissions from 2 submitters: Likely pathogenic (2). Last evaluated 2025-09-15.

Conditions:
Dilated cardiomyopathy 1G (CMD1G). Identifiers: Orphanet 154, MedGen C1858763, MONDO:0011400, OMIM 604145.
Autosomal recessive limb-girdle muscular dystrophy type 2J (LGMDR10). Also called: Limb-girdle muscular dystrophy, type 2J; MUSCULAR DYSTROPHY, LIMB-GIRDLE, AUTOSOMAL RECESSIVE 10. Identifiers: Orphanet 140922, MedGen C1837342, MONDO:0012127, OMIM 608807.

Submissions (2):

Labcorp Genetics (formerly Invitae), Labcorp
Classification: Likely pathogenic for Dilated cardiomyopathy 1G; Autosomal recessive limb-girdle muscular dystrophy type 2J. Last evaluated: 2025-09-15. Review status: criteria provided, single submitter. Criteria: Invitae Variant Classification Sherloc (09022015). Collection method: clinical testing. Allele origin: germline.
Comment: This sequence change affects a donor splice site in intron 354 of the TTN gene. It is expected to disrupt RNA splicing and likely results in a truncated or disrupted TTN protein. This variant is not present in population databases (gnomAD no frequency). This variant has not been reported in the literature in individuals affected with TTN-related conditions. Algorithms developed to predict the effect of sequence changes on RNA splicing suggest that this variant may disrupt the consensus splice site. This variant is located in the A band of TTN (PMID: 25589632). Truncating variants in this region are significantly overrepresented in patients affected with dilated cardiomyopathy (PMID: 25589632). Truncating variants in this region have also been reported in individuals affected with autosomal recessive centronuclear myopathy (PMID: 23975875). In summary, the currently available evidence indicates that the variant is pathogenic, but additional data are needed to prove that conclusively. Therefore, this variant has been classified as Likely Pathogenic.

GeneDx
Classification: Likely pathogenic. Last evaluated: 2025-06-11. Review status: criteria provided, single submitter. Criteria: GeneDx Variant Classification Process June 2021. Collection method: clinical testing. Allele origin: germline. Affected: yes.
Comment: Canonical splice site variant predicted to result in an in-frame loss of the adjacent exon in a gene for which loss of function is a known mechanism of disease; Not observed at significant frequency in large population cohorts (gnomAD); Has not been previously published as pathogenic or benign to our knowledge; Located in the A-band, a region of TTN for which truncating variants are significantly associated with autosomal dominant cardiomyopathy and also with autosomal recessive skeletal myopathies (PMID: 22335739, 32778822); This variant is associated with the following publications: (PMID: 22335739, 32778822)

Literature cited by the submitters: PubMed 25589632 (cited by Labcorp Genetics (formerly Invitae), Labcorp); PubMed 23975875 (cited by Labcorp Genetics (formerly Invitae), Labcorp).